The following is an entry in ClinVar:

ClinVar aggregate classification (germline): Pathogenic/Likely pathogenic. Review status: criteria provided, multiple submitters, no conflicts (2 of 4 stars). 4 submissions from 4 submitters: Pathogenic (3); Likely pathogenic (1). Last evaluated 2023-12-13.

Conditions:
Familial adenomatous polyposis 2. Also called: FAP type 2; MUTYH Polyposis; MUTYH-related attenuated familial adenomatous polyposis; COLORECTAL ADENOMATOUS POLYPOSIS, AUTOSOMAL RECESSIVE; ADENOMAS, MULTIPLE COLORECTAL, AUTOSOMAL RECESSIVE; Adenomas, multiple colorectal. Identifiers: Orphanet 220460, Orphanet 247798, MedGen C3272841, MONDO:0012041, OMIM 608456.

Allele frequency attached by ClinVar (database versions not stated): ExAC 0.00001; gnomAD exomes 0.00001.

Submissions (4):

All of Us Research Program, National Institutes of Health
Classification: Pathogenic for Familial adenomatous polyposis 2. Last evaluated: 2023-12-13. Review status: criteria provided, single submitter. Criteria: ACMG Guidelines, 2015. Collection method: clinical testing. Allele origin: germline. Inheritance: Autosomal recessive inheritance. Observed: 1 variant allele, 1 heterozygote.
Comment: This variant changes 1 nucleotide in exon 9 of the MUTYH gene, creating a premature translation stop signal. This variant is expected to result in an absent or non-functional protein product. This variant has been observed with a co-occurring pathogenic variant in an individual affected with over 100 colorectal polyps (PMID: 29330641), indicating that this variant contributes to disease. This variant has been identified in 2/250372 chromosomes in the general population by the Genome Aggregation Database (gnomAD). Loss of MUTYH function is a known mechanism of disease. Based on the available evidence, this variant is classified as Pathogenic.

This study involves interpretation of variants in research participants for the purpose of population health screening. Participant phenotype was not available at the time of variant classification. Additional details can be found in publication PMID: 35346344, PMCID: PMC8962531

Labcorp Genetics (formerly Invitae), Labcorp
Classification: Pathogenic for Familial adenomatous polyposis 2. Last evaluated: 2023-09-27. Review status: criteria provided, single submitter. Criteria: Invitae Variant Classification Sherloc (09022015). Collection method: clinical testing. Allele origin: germline.
Comment: This sequence change creates a premature translational stop signal (p.Gln260*) in the MUTYH gene. It is expected to result in an absent or disrupted protein product. Loss-of-function variants in MUTYH are known to be pathogenic (PMID: 18534194, 20663686). This variant is present in population databases (rs773087549, gnomAD 0.006%). This premature translational stop signal has been observed in individual(s) with colorectal polyposis (PMID: 29330641). In at least one individual the data is consistent with being in trans (on the opposite chromosome) from a pathogenic variant. ClinVar contains an entry for this variant (Variation ID: 246369). For these reasons, this variant has been classified as Pathogenic.

Revvity Omics, Revvity
Classification: Pathogenic for Familial adenomatous polyposis 2. Last evaluated: 2023-01-17. Review status: criteria provided, single submitter. Criteria: ACMG Guidelines, 2015. Collection method: clinical testing. Allele origin: germline.

GeneDx
Classification: Likely pathogenic. Last evaluated: 2016-02-01. Review status: criteria provided, single submitter. Criteria: GeneDx Variant Classification (06012015). Collection method: clinical testing. Allele origin: germline. Affected: yes.
Comment: This variant is denoted MUTYH c.778C>T at the cDNA level and p.Gln260Ter (Q260X) at the protein level. The substitution creates a nonsense variant, which changes a Glutamine to a premature stop codon (CAG>TAG) , and is predicted to cause loss of normal protein function through either protein truncation or nonsense-mediated mRNA decay. Although this variant has not, to our knowledge, been reported in the literature, it is considered likely pathogenic.

Literature cited by the submitters: PubMed 29330641 (cited by All of Us Research Program, National Institutes of Health and Labcorp Genetics (formerly Invitae), Labcorp); PubMed 18534194 (cited by Labcorp Genetics (formerly Invitae), Labcorp); PubMed 20663686 (cited by Labcorp Genetics (formerly Invitae), Labcorp).

NM_001048174.2(MUTYH):c.694C>T (p.Gln232Ter)

Gene: MUTYH (mutY DNA glycosylase; minus strand). Cytogenetic location: 1p34.1.
Variant type: single nucleotide variant.
Coding change: c.694C>T on transcript NM_001048174.2 (MANE Select); coding-DNA position 694, C replaced by T.
Protein change: p.Gln232Ter; replaces glutamine 232 with a stop codon.
Molecular consequence: nonsense. On other transcripts: non-coding transcript variant (2).
Genome position (GRCh38, 1-based): chr1:45,332,401, G>A on the plus strand (C>T on the coding strand, the complement: MUTYH is on the minus strand). VCF-style: chr1-45332401-G-A. GRCh37 (hg19) VCF-style: chr1-45798073-G-A.
Other names: c.694C>T, p.Gln232Ter (NM_001048171.2, NM_001048173.2, NM_001293195.2); c.697C>T, p.Gln233Ter (NM_001048172.2); c.778C>T, p.Gln260Ter (NM_001128425.2); c.739C>T, p.Gln247Ter (NM_001293190.2); c.727C>T, p.Gln243Ter (NM_001293191.2); c.418C>T, p.Gln140Ter (NM_001293192.2, NM_001293196.2); c.349C>T, p.Gln117Ter (NM_001350650.2, NM_001350651.2); c.769C>T, p.Gln257Ter (NM_012222.3); short protein forms Q260*, Q117*, Q140*, Q243*, Q247*, Q232*, Q233*, Q257*.
Identifiers: ClinVar variation 246369 (VCV000246369.13), dbSNP rs773087549, ClinGen allele CA059049.